The following is an entry in ClinVar:

NM_006231.4(POLE):c.1150C>G (p.Gln384Glu)

Gene: POLE (DNA polymerase epsilon, catalytic subunit; minus strand). Cytogenetic location: 12q24.33.
Variant type: single nucleotide variant.
Coding change: c.1150C>G on transcript NM_006231.4 (MANE Select); coding-DNA position 1150, C replaced by G.
Protein change: p.Gln384Glu; replaces glutamine 384 with glutamic acid.
Molecular consequence: missense variant.
Genome position (GRCh38, 1-based): chr12:132,675,474, G>C on the plus strand (C>G on the coding strand, the complement: POLE is on the minus strand). VCF-style: chr12-132675474-G-C. GRCh37 (hg19) VCF-style: chr12-133252060-G-C.
Other names: short protein forms Q384E.
Identifiers: ClinVar variation 3935699 (VCV003935699.1).

ClinVar aggregate classification (germline): Uncertain significance (1 of 4 stars; one submission).

Conditions:
Hereditary cancer-predisposing syndrome. Also called: Tumor predisposition; Hereditary neoplastic syndrome; Hereditary Cancer Syndrome; Neoplastic Syndromes, Hereditary. Identifiers: Orphanet 140162, MedGen C0027672, MeSH D009386, MONDO:0015356.

Submission:

Ambry Genetics
Classification: Uncertain significance for Hereditary cancer-predisposing syndrome. Last evaluated: 2025-03-20. Review status: criteria provided, single submitter. Criteria: Ambry Variant Classification Scheme 2023. Collection method: clinical testing. Allele origin: germline.
Comment: The p.Q384E variant (also known as c.1150C>G), located in coding exon 12 of the POLE gene, results from a C to G substitution at nucleotide position 1150. The glutamine at codon 384 is replaced by glutamic acid, an amino acid with highly similar properties. This amino acid position is conserved. In addition, this alteration is predicted to be tolerated by in silico analysis. Based on the available evidence, the clinical significance of this variant remains unclear.